The following is an entry in ClinVar:

NM_001365276.2(TNXB):c.10156G>A (p.Val3386Met)

Gene: TNXB (tenascin XB; minus strand). Cytogenetic location: 6p21.33.
Variant type: single nucleotide variant.
Coding change: c.10156G>A on transcript NM_001365276.2 (MANE Select); coding-DNA position 10156, G replaced by A.
Protein change: p.Val3386Met; replaces valine 3386 with methionine.
Molecular consequence: missense variant.
Genome position (GRCh38, 1-based): chr6:32,047,902, C>T on the plus strand (G>A on the coding strand, the complement: TNXB is on the minus strand). VCF-style: chr6-32047902-C-T. GRCh37 (hg19) VCF-style: chr6-32015679-C-T.
Other names: p.Val3384Met; c.10150G>A, p.Val3384Met (NM_019105.8); short protein forms V3384M, V3386M.
Identifiers: ClinVar variation 1707969 (VCV001707969.9), dbSNP rs530880273, ClinGen allele CA3733287.

ClinVar aggregate classification (germline): Conflicting classifications of pathogenicity. Review status: criteria provided, conflicting classifications (1 of 4 stars). 4 submissions from 4 submitters: Uncertain significance (1); Likely benign (3). Last evaluated 2026-10-12.

Conditions:
Cardiovascular phenotype. Identifiers: MedGen CN230736.

Allele frequency attached by ClinVar (database versions not stated): ExAC 0.00019; gnomAD exomes 0.00005; TOPMed 0.00022; 1000 Genomes Project 0.00040; gnomAD 0.00013; 1000 Genomes Project 30x 0.00031.
gnomAD v4.1: 98 of 1,612,664 alleles (0.0061%); highest among the groups gnomAD compares: East Asian, 0.065%; no homozygotes.

Submissions (4):

GeneDx
Classification: Uncertain significance. Last evaluated: 2026-10-12. Review status: criteria provided, single submitter. Criteria: GeneDx Variant Classification Process June 2021. Collection method: clinical testing. Allele origin: germline.
Comment: Has not been previously published as pathogenic or benign to our knowledge; In silico analysis suggests that this missense variant does not alter protein structure/function

Mayo Clinic Laboratories, Mayo Clinic
Classification: Likely benign. Last evaluated: 2025-09-18. Review status: criteria provided, single submitter. Criteria: ACMG Guidelines, 2015. Collection method: clinical testing. Allele origin: germline. Observed: 3 variant alleles.
Comment: BP4

Women's Health and Genetics/Laboratory Corporation of America, LabCorp
Classification: Likely benign. Last evaluated: 2025-09-04. Review status: criteria provided, single submitter. Criteria: LabCorp Variant Classification Summary - May 2015. Collection method: clinical testing. Allele origin: germline.
Comment: Variant summary: TNXB c.10150G>A (p.Val3384Met) results in a conservative amino acid change in the encoded protein sequence. Algorithms developed to predict the effect of missense changes on protein structure and function all suggest that this variant is likely to be tolerated. The variant allele was found at a frequency of 0.00018 in 245212 control chromosomes, predominantly at a frequency of 0.0015 within the East Asian subpopulation in the gnomAD database. The observed variant frequency within East Asian control individuals in the gnomAD database exceeds the estimated maximal expected allele frequency for disease-causing variants in TNXB. To our knowledge, no occurrence of c.10150G>A in individuals affected with TNXB-related conditions and no experimental evidence demonstrating its impact on protein function have been reported. ClinVar contains an entry for this variant (Variation ID: 1707969). Based on the evidence outlined above, the variant was classified as likely benign.

Ambry Genetics
Classification: Likely benign for Cardiovascular phenotype. Last evaluated: 2024-07-29. Review status: criteria provided, single submitter. Criteria: Ambry Variant Classification Scheme 2023. Collection method: clinical testing. Allele origin: germline.